The following is an entry in ClinVar:

ClinVar aggregate classification (germline): Pathogenic (1 of 4 stars; one submission).

Conditions:
LAMA2-related muscular dystrophy (LAMA2-RD). Also called: Laminin alpha 2-related dystrophy. Identifiers: MedGen C5679788, MONDO:0100228.

Submission:

Labcorp Genetics (formerly Invitae), Labcorp
Classification: Pathogenic for LAMA2-related muscular dystrophy. Last evaluated: 2023-12-04. Review status: criteria provided, single submitter. Criteria: Invitae Variant Classification Sherloc (09022015). Collection method: clinical testing. Allele origin: germline.
Comment: This sequence change creates a premature translational stop signal (p.Arg1350Hisfs*12) in the LAMA2 gene. It is expected to result in an absent or disrupted protein product. Loss-of-function variants in LAMA2 are known to be pathogenic (PMID: 18700894, 32904964). This variant is not present in population databases (gnomAD no frequency). This premature translational stop signal has been observed in individual(s) with clinical features of congenital muscular dystrophy (PMID: 30055037). ClinVar contains an entry for this variant (Variation ID: 2057585). For these reasons, this variant has been classified as Pathogenic.

Literature cited by the submitters: PubMed 18700894; PubMed 32904964; PubMed 30055037.

NM_000426.4(LAMA2):c.4049del (p.Arg1350fs)

Gene: LAMA2 (laminin subunit alpha 2; plus strand). Cytogenetic location: 6q22.33.
Variant type: Deletion.
Coding change: c.4049del on transcript NM_000426.4 (MANE Select); coding-DNA position 4049, one base deleted (G; older notation c.4049delG).
Protein change: p.Arg1350fs; shifts the reading frame from arginine 1350.
Molecular consequence: frameshift variant.
Genome position (GRCh38, 1-based): chr6:129,316,162, G deleted. VCF-style (leftmost placement, unchanged base first): chr6-129316161-CG-C. GRCh37 (hg19) VCF-style: chr6-129637306-CG-C.
Other names: c.4049del, p.Arg1350fs (NM_001079823.2); short protein forms R1350fs.
Identifiers: ClinVar variation 2057585 (VCV002057585.4), dbSNP rs2482419215, ClinGen allele CA1139655092.